The following is an entry in ClinVar:

ClinVar aggregate classification (germline): Uncertain significance (1 of 4 stars; one submission).

Conditions:
Renal cell carcinoma. Identifiers: Orphanet 217071, MedGen C0007134, MeSH D002292, MONDO:0005086, HP:0005584.

Allele frequency attached by ClinVar (database versions not stated): TOPMed below 0.00001.

Submission:

Labcorp Genetics (formerly Invitae), Labcorp
Classification: Uncertain significance for Renal cell carcinoma. Last evaluated: 2021-01-08. Review status: criteria provided, single submitter. Criteria: Invitae Variant Classification Sherloc (09022015). Collection method: clinical testing. Allele origin: germline.
Comment: In summary, this variant is a novel missense change with uncertain impact on protein function. It has been classified as a Variant of Uncertain Significance. Algorithms developed to predict the effect of missense changes on protein structure and function do not agree on the potential impact of this missense change (SIFT: "Deleterious"; PolyPhen-2: "Benign"; Align-GVGD: "Class C0"). This variant is not present in population databases (ExAC no frequency) and has not been reported in the literature in individuals with a MET-related disease. This sequence change replaces isoleucine with threonine at codon 161 of the MET protein (p.Ile161Thr). The isoleucine residue is weakly conserved and there is a moderate physicochemical difference between isoleucine and threonine.

NM_000245.4(MET):c.482T>C (p.Ile161Thr)

Gene: MET (MET proto-oncogene, receptor tyrosine kinase; plus strand). Cytogenetic location: 7q31.2.
Variant type: single nucleotide variant.
Coding change: c.482T>C on transcript NM_000245.4 (MANE Select); coding-DNA position 482, T replaced by C.
Protein change: p.Ile161Thr; replaces isoleucine 161 with threonine.
Molecular consequence: missense variant. On other transcripts: intron variant (1).
Genome position (GRCh38, 1-based): chr7:116,699,566, T>C. VCF-style: chr7-116699566-T-C. GRCh37 (hg19) VCF-style: chr7-116339620-T-C.
Other names: c.482T>C, p.Ile161Thr (NM_001127500.3, NM_001324401.3); c.-91+26989T>C (NM_001324402.2); short protein forms I161T.
Identifiers: ClinVar variation 411887 (VCV000411887.48), dbSNP rs1060503532, ClinGen allele CA16612237.